The following is an entry in ClinVar:

ClinVar aggregate classification (germline): Uncertain significance (1 of 4 stars; one submission).

Conditions:
CREBBP-related disorder. Also called: CREBBP-related disorders; CREBBP-related condition.

gnomAD v4.1: 1 of 1,613,894 alleles (0.000062%); highest among the groups gnomAD compares: Non-Finnish European, 0.000085%; no homozygotes.

Submission:

PreventionGenetics, part of Exact Sciences
Classification: Uncertain significance for CREBBP-related condition. Last evaluated: 2025-04-09. Review status: criteria provided, single submitter. Criteria: ACMG Guidelines, 2015. Collection method: clinical testing. Allele origin: germline.
Comment: The CREBBP c.817A>C variant is predicted to result in the amino acid substitution p.Thr273Pro. To our knowledge, this variant has not been reported in the literature or in a large population database (gnomAD), indicating this variant is rare. At this time, the clinical significance of this variant is uncertain due to the absence of conclusive functional and genetic evidence.

NM_004380.3(CREBBP):c.817A>C (p.Thr273Pro)

Gene: CREBBP (CREB binding lysine acetyltransferase; minus strand). Cytogenetic location: 16p13.3.
Variant type: single nucleotide variant.
Coding change: c.817A>C on transcript NM_004380.3 (MANE Select); coding-DNA position 817, A replaced by C.
Protein change: p.Thr273Pro; replaces threonine 273 with proline.
Molecular consequence: missense variant.
Genome position (GRCh38, 1-based): chr16:3,810,761, T>G on the plus strand (A>C on the coding strand, the complement: CREBBP is on the minus strand). VCF-style: chr16-3810761-T-G. GRCh37 (hg19) VCF-style: chr16-3860762-T-G.
Other names: c.817A>C, p.Thr273Pro (NM_001079846.1); short protein forms T273P.
Identifiers: ClinVar variation 4984806 (VCV004984806.1).